The following is an entry in ClinVar:

ClinVar aggregate classification (germline): Uncertain significance (1 of 4 stars; one submission).

Submission:

Labcorp Genetics (formerly Invitae), Labcorp
Classification: Uncertain significance. Last evaluated: 2023-03-08. Review status: criteria provided, single submitter. Criteria: Invitae Variant Classification Sherloc (09022015). Collection method: clinical testing. Allele origin: germline.
Comment: In summary, the available evidence is currently insufficient to determine the role of this variant in disease. Therefore, it has been classified as a Variant of Uncertain Significance. Experimental studies and prediction algorithms are not available or were not evaluated, and the functional significance of this variant is currently unknown. This variant has not been reported in the literature in individuals affected with MKL1-related conditions. This variant is not present in population databases (gnomAD no frequency). This sequence change creates a premature translational stop signal (p.Thr915Argfs*7) in the MKL1 gene. While this is not anticipated to result in nonsense mediated decay, it is expected to disrupt the last 17 amino acid(s) of the MKL1 protein.

NM_020831.6(MRTFA):c.3044_3045del (p.Thr1015fs)

Gene: MRTFA (myocardin related transcription factor A; minus strand). Cytogenetic location: 22q13.1.
Variant type: Microsatellite.
Coding change: c.3044_3045del on transcript NM_020831.6 (MANE Select); coding-DNA positions 3044 to 3045, 2 bases deleted (CA; older notation c.3044_3045delCA).
Protein change: p.Thr1015fs; shifts the reading frame from threonine 1015.
Molecular consequence: frameshift variant. On other transcripts: 3 prime UTR variant (1).
Genome position (GRCh38, 1-based): chr22:40,411,441-40,411,442, TG deleted on the plus strand (CA on the coding strand, the reverse complement: MRTFA is on the minus strand); deleting any 2 consecutive bases within chr22:40,411,441-40,411,444 gives the same sequence; the c. name uses the placement nearest the transcript's 3' end. VCF-style (leftmost placement, unchanged base first): chr22-40411440-CTG-C. GRCh37 (hg19) VCF-style: chr22-40807444-CTG-C.
Other names: c.2744_2745del, p.Thr915fs (NM_001282660.2); c.2894_2895del, p.Thr965fs (NM_001282661.3); c.*355CA[1] (NM_001282662.3); c.2849_2850del, p.Thr950fs (NM_001318139.2); short protein forms T915fs, T1015fs, T950fs, T965fs.
Identifiers: ClinVar variation 2843972 (VCV002843972.3), dbSNP rs2518480137, ClinGen allele CA2739267984.